The following is an entry in ClinVar:

ClinVar aggregate classification (germline): Pathogenic (1 of 4 stars; one submission).

Conditions:
Cornelia de Lange syndrome 1 (CDLS1). Also called: Brachmann de Lange syndrome; TYPUS DEGENERATIVUS AMSTELODAMENSIS; NIPBL-Related Cornelia de Lange Syndrome. Identifiers: Orphanet 199, MedGen C4551851, MONDO:0007387, OMIM 122470.

Submission:

Labcorp Genetics (formerly Invitae), Labcorp
Classification: Pathogenic for Cornelia de Lange syndrome 1. Last evaluated: 2016-11-15. Review status: criteria provided, single submitter. Criteria: Invitae Variant Classification Sherloc (09022015). Collection method: clinical testing. Allele origin: germline.
Comment: This sequence change inserts 1 nucleotide in exon 34 of the NIPBL mRNA (c.6086_6087insT), causing a frameshift at codon 2030. This creates a premature translational stop signal (p.Tyr2030Ilefs*5) and is expected to result in an absent or disrupted protein product. For these reasons, this variant has been classified as Pathogenic. While this particular variant has not been reported in the literature, loss-of-function variants in NIPBL are known to be pathogenic (PMID: 24038889).

Literature cited by the submitters: PubMed 24038889.

NM_133433.4(NIPBL):c.6086_6087insT (p.Tyr2030fs)

Gene: NIPBL (NIPBL cohesin loading factor; plus strand). Cytogenetic location: 5p13.2.
Variant type: Insertion.
Coding change: c.6086_6087insT on transcript NM_133433.4 (MANE Select); coding-DNA positions 6086 to 6087, T inserted.
Protein change: p.Tyr2030fs; shifts the reading frame from tyrosine 2030.
Molecular consequence: frameshift variant.
Genome position: GRCh38 VCF-style: chr5-37038716-C-CT. GRCh37 (hg19) VCF-style: chr5-37038818-C-CT.
Other names: c.6086_6087insT, p.Tyr2030fs (NM_015384.5); short protein forms Y2030fs.
Identifiers: ClinVar variation 476594 (VCV000476594.6), dbSNP rs1554030285, ClinGen allele CA658657440.